The following is an entry in ClinVar:

ClinVar aggregate classification (germline): Uncertain significance (1 of 4 stars; one submission).

Submission:

GeneDx
Classification: Uncertain significance. Last evaluated: 2024-10-24. Review status: criteria provided, single submitter. Criteria: GeneDx Variant Classification Process June 2021. Collection method: clinical testing. Allele origin: germline. Affected: yes.
Comment: Not observed at significant frequency in large population cohorts (gnomAD); In silico analysis supports that this missense variant has a deleterious effect on protein structure/function; Has not been previously published as pathogenic or benign to our knowledge

NM_003482.4(KMT2D):c.7250C>G (p.Ser2417Cys)

Gene: KMT2D (lysine methyltransferase 2D; minus strand). Cytogenetic location: 12q13.12.
Variant type: single nucleotide variant.
Coding change: c.7250C>G on transcript NM_003482.4 (MANE Select); coding-DNA position 7250, C replaced by G.
Protein change: p.Ser2417Cys; replaces serine 2417 with cysteine.
Molecular consequence: missense variant.
Genome position (GRCh38, 1-based): chr12:49,040,520, G>C on the plus strand (C>G on the coding strand, the complement: KMT2D is on the minus strand). VCF-style: chr12-49040520-G-C. GRCh37 (hg19) VCF-style: chr12-49434303-G-C.
Other names: short protein forms S2417C.
Identifiers: ClinVar variation 3893567 (VCV003893567.1).
Genomic context (GRCh38, chr12:49,040,520, plus strand): 5'-GGGCAAAAAGCTTCAGCAGACAGAGGCCGGGGTGTCAGTGGAGACTGGGAGCTGGACTGG[G>C]ACTGAGGACTGGCAGGCACTCGGGAGAAAGGGTCGGAGGGCAGTGAGCGAGGGGGCAGAG-3'
Protein context (NP_003473.3, residues 2407-2427): PFSRVPASPQ[Ser2417Cys]QSSSQSPLTP